The following is an entry in ClinVar:

ClinVar aggregate classification (germline): Conflicting classifications of pathogenicity. Review status: criteria provided, conflicting classifications (1 of 4 stars). 2 submissions from 2 submitters: Uncertain significance (1); Likely benign (1). Last evaluated 2025-07-20.

Conditions:
Fanconi anemia (FA). Also called: Fanconi's anemia. Identifiers: Orphanet 84, MedGen C0015625, MeSH D005199, MONDO:0019391.

gnomAD v4.1: 1 of 1,613,746 alleles (0.000062%); highest among the groups gnomAD compares: Non-Finnish European, 0.000085%; no homozygotes.

Submissions (2):

Quest Diagnostics Nichols Institute San Juan Capistrano
Classification: Uncertain significance. Last evaluated: 2025-07-20. Review status: criteria provided, single submitter. Criteria: Quest Diagnostics criteria. Collection method: clinical testing. Allele origin: unknown.
Comment: The FANCA c.4261-8T>C variant has not been reported in individuals with FANCA-related conditions in the published literature. It also has not been reported in large, multi-ethnic general populations (Genome Aggregation Database). Analysis of this variant using software algorithms for the prediction of the effect of nucleotide changes on splicing yielded predictions that this variant does not affect FANCA mRNA splicing. Based on the available information, we are unable to determine the clinical significance of this variant.

Labcorp Genetics (formerly Invitae), Labcorp
Classification: Likely benign for Fanconi anemia. Last evaluated: 2021-10-29. Review status: criteria provided, single submitter. Criteria: Invitae Variant Classification Sherloc (09022015). Collection method: clinical testing. Allele origin: germline.

NM_000135.4(FANCA):c.4261-8T>C

Genes: FANCA (FA complementation group A; minus strand), ZNF276 (zinc finger protein 276; plus strand). Cytogenetic location: 16q24.3.
Variant type: single nucleotide variant.
Coding change: c.4261-8T>C on transcript NM_000135.4 (MANE Select); 8 bases into the intron before coding-DNA position 4261, T replaced by C.
Molecular consequence: intron variant. On other transcripts: 3 prime UTR variant (2), non-coding transcript variant (4).
Genome position (GRCh38, 1-based): chr16:89,738,716, A>G on the plus strand (T>C on the coding strand, the complement: FANCA is on the minus strand). VCF-style: chr16-89738716-A-G. GRCh37 (hg19) VCF-style: chr16-89805124-A-G.
Other names: c.*470A>G (NM_001113525.2, NM_152287.4); c.4265-8T>C (NM_001286167.3); c.4261-8T>C (NM_000135.3).
Identifiers: ClinVar variation 1138953 (VCV001138953.10), dbSNP rs372268907, ClinGen allele CA2499223808.
Genomic context (GRCh38, chr16:89,738,716, plus strand): 5'-CTCTGGAGGGCGGCGCTCACCTCTGGGTCGCAGTCCCCACGATCAGCCAGCAGCTGTGAG[A>G]GAGGAGCAGGTCCTCAGCCCATGCCGCCCACTAGGCCTCAGACCACAGGGGAGGGGCTCT-3'